The following is an entry in ClinVar:

ClinVar aggregate classification (germline): Likely benign. Review status: criteria provided, multiple submitters, no conflicts (2 of 4 stars). 2 submissions from 2 submitters: Likely benign (2). Last evaluated 2022-07-01.

Submissions (2):

CeGaT Center for Human Genetics Tuebingen
Classification: Likely benign. Last evaluated: 2022-07-01. Review status: criteria provided, single submitter. Criteria: CeGaT Center For Human Genetics Tuebingen Variant Classification Criteria Version 2. Collection method: clinical testing. Allele origin: germline. Affected: yes. Observed: 1 variant allele.
Comment: TTPA: PM2:Supporting, BP4, BP7

Labcorp Genetics (formerly Invitae), Labcorp
Classification: Likely benign. Last evaluated: 2021-06-28. Review status: criteria provided, single submitter. Criteria: Invitae Variant Classification Sherloc (09022015). Collection method: clinical testing. Allele origin: germline.

NM_000370.3(TTPA):c.294T>C (p.Ala98=)

Gene: TTPA (alpha tocopherol transfer protein; minus strand). Cytogenetic location: 8q12.3.
Variant type: single nucleotide variant.
Coding change: c.294T>C on transcript NM_000370.3 (MANE Select); coding-DNA position 294, T replaced by C.
Protein change: p.Ala98=; no amino-acid change (alanine 98 retained).
Molecular consequence: synonymous variant.
Genome position (GRCh38, 1-based): chr8:63,072,999, A>G on the plus strand (T>C on the coding strand, the complement: TTPA is on the minus strand). VCF-style: chr8-63072999-A-G. GRCh37 (hg19) VCF-style: chr8-63985558-A-G.
Identifiers: ClinVar variation 1568682 (VCV001568682.32), dbSNP rs2129762717, ClinGen allele CA461144502.